The following is an entry in ClinVar:

NM_001558.4(IL10RA):c.1336T>A (p.Tyr446Asn)

Gene: IL10RA (interleukin 10 receptor subunit alpha; plus strand). Cytogenetic location: 11q23.3.
Variant type: single nucleotide variant.
Coding change: c.1336T>A on transcript NM_001558.4 (MANE Select); coding-DNA position 1336, T replaced by A.
Protein change: p.Tyr446Asn; replaces tyrosine 446 with asparagine.
Molecular consequence: missense variant. On other transcripts: non-coding transcript variant (1).
Genome position (GRCh38, 1-based): chr11:117,999,240, T>A. VCF-style: chr11-117999240-T-A. GRCh37 (hg19) VCF-style: chr11-117869955-T-A.
Other names: short protein forms Y446N.
Identifiers: ClinVar variation 1001670 (VCV001001670.9), dbSNP rs763134422, ClinGen allele CA6299173.

ClinVar aggregate classification (germline): Uncertain significance (1 of 4 stars; one submission).

Conditions:
Inflammatory bowel disease 28. Also called: Inflammatory bowel disease 28, early onset, autosomal recessive. Identifiers: Orphanet 238569, MedGen C2751053, MONDO:0013153, OMIM 613148.

Allele frequency attached by ClinVar (database versions not stated): gnomAD exomes below 0.00001; ExAC 0.00001.
gnomAD v4.1: 1 of 1,614,228 alleles (0.000062%); highest among the groups gnomAD compares: Admixed American, 0.0017%; no homozygotes.

Submission:

Labcorp Genetics (formerly Invitae), Labcorp
Classification: Uncertain significance for Inflammatory bowel disease 28. Last evaluated: 2021-02-17. Review status: criteria provided, single submitter. Criteria: Invitae Variant Classification Sherloc (09022015). Collection method: clinical testing. Allele origin: germline.
Comment: This sequence change replaces tyrosine with asparagine at codon 446 of the IL10RA protein (p.Tyr446Asn). The tyrosine residue is highly conserved and there is a large physicochemical difference between tyrosine and asparagine. This variant is present in population databases (rs763134422, ExAC 0.009%). This variant has not been reported in the literature in individuals with IL10RA-related conditions. Algorithms developed to predict the effect of missense changes on protein structure and function (SIFT, PolyPhen-2, Align-GVGD) all suggest that this variant is likely to be disruptive, but these predictions have not been confirmed by published functional studies and their clinical significance is uncertain. In summary, the available evidence is currently insufficient to determine the role of this variant in disease. Therefore, it has been classified as a Variant of Uncertain Significance.